The following is an entry in ClinVar:

ClinVar aggregate classification (germline): Uncertain significance. Review status: criteria provided, multiple submitters, no conflicts (2 of 4 stars). 3 submissions from 3 submitters: Uncertain significance (3). Last evaluated 2024-08-20.

Conditions:
Inborn genetic diseases. Identifiers: MedGen C0950123, MeSH D030342.

Allele frequency attached by ClinVar (database versions not stated): gnomAD 0.00023 and 0.00024; TOPMed 0.00026; ESP Exome Variant Server 0.00047.
gnomAD v4.1: 654 of 1,612,902 alleles (0.041%); highest among the groups gnomAD compares: Non-Finnish European, 0.048%; 1 homozygote.

Submissions (3):

Ambry Genetics
Classification: Uncertain significance for Inborn genetic diseases. Last evaluated: 2024-08-20. Review status: criteria provided, single submitter. Criteria: Ambry Variant Classification Scheme 2023. Collection method: clinical testing. Allele origin: germline.

CeGaT Center for Human Genetics Tuebingen
Classification: Uncertain significance. Last evaluated: 2024-01-01. Review status: criteria provided, single submitter. Criteria: CeGaT Center For Human Genetics Tuebingen Variant Classification Criteria Version 2. Collection method: clinical testing. Allele origin: germline. Affected: yes. Observed: 2 variant alleles.
Comment: VARS1: PM2, BP4

GeneDx
Classification: Uncertain significance. Last evaluated: 2023-05-05. Review status: criteria provided, single submitter. Criteria: GeneDx Variant Classification Process June 2021. Collection method: clinical testing. Allele origin: germline. Affected: yes.
Comment: In silico analysis supports that this missense variant does not alter protein structure/function; Has not been previously published as pathogenic or benign to our knowledge

NM_006295.3(VARS1):c.1853G>A (p.Arg618Gln)

Gene: VARS1 (valyl-tRNA synthetase 1; minus strand). Cytogenetic location: 6p21.33.
Variant type: single nucleotide variant.
Coding change: c.1853G>A on transcript NM_006295.3 (MANE Select); coding-DNA position 1853, G replaced by A.
Protein change: p.Arg618Gln; replaces arginine 618 with glutamine.
Molecular consequence: missense variant.
Genome position (GRCh38, 1-based): chr6:31,782,755, C>T on the plus strand (G>A on the coding strand, the complement: VARS1 is on the minus strand). VCF-style: chr6-31782755-C-T. GRCh37 (hg19) VCF-style: chr6-31750532-C-T.
Other names: c.1853G>A (NM_006295.2); short protein forms R618Q.
Identifiers: ClinVar variation 1695154 (VCV001695154.34), dbSNP rs147295435, ClinGen allele CA3723161.